The following is an entry in ClinVar:

NM_198253.3(TERT):c.2165A>G (p.Gln722Arg)

Gene: TERT (telomerase reverse transcriptase; minus strand). Cytogenetic location: 5p15.33.
Variant type: single nucleotide variant.
Coding change: c.2165A>G on transcript NM_198253.3 (MANE Select); coding-DNA position 2165, A replaced by G.
Protein change: p.Gln722Arg; replaces glutamine 722 with arginine.
Molecular consequence: missense variant. On other transcripts: non-coding transcript variant (1).
Genome position (GRCh38, 1-based): chr5:1,278,762, T>C on the plus strand (A>G on the coding strand, the complement: TERT is on the minus strand). VCF-style: chr5-1278762-T-C. GRCh37 (hg19) VCF-style: chr5-1278877-T-C.
Other names: c.2165A>G, p.Gln722Arg (NM_001193376.3); short protein forms Q722R.
Identifiers: ClinVar variation 471853 (VCV000471853.9), dbSNP rs1554040902, ClinGen allele CA359079607.

ClinVar aggregate classification (germline): Uncertain significance. Review status: criteria provided, multiple submitters, no conflicts (2 of 4 stars). 2 submissions from 2 submitters: Uncertain significance (2). Last evaluated 2026-08-10.

Conditions:
Idiopathic Pulmonary Fibrosis. Also called: Idiopathic fibrosing alveolitis, chronic form; idiopathic fibrosing alveolitis. Identifiers: Orphanet 2032, MedGen C1800706, MeSH D054990, MONDO:0800504.
Dyskeratosis congenita, autosomal dominant 2. Identifiers: MedGen C3151443, MONDO:0013521, OMIM 613989.
Dyskeratosis congenita. Identifiers: Orphanet 1775, MedGen C0265965, MONDO:0015780.

Allele frequency attached by ClinVar (database versions not stated): gnomAD exomes 0.00001.

Submissions (2):

Ambry Genetics
Classification: Uncertain significance for Dyskeratosis congenita. Last evaluated: 2026-08-10. Review status: criteria provided, single submitter. Criteria: Ambry Variant Classification Scheme 2023. Collection method: clinical testing. Allele origin: germline.
Comment: The p.Q722R variant (also known as c.2165A>G), located in coding exon 6 of the TERT gene, results from an A to G substitution at nucleotide position 2165. The glutamine at codon 722 is replaced by arginine, an amino acid with highly similar properties. The variant was observed in an individual with myelodysplastic syndrome (MDS) and was observed to have intermediate telomere elongation capacity by a functional assay (Reilly CR et al. Blood, 2021 Sep;138:898-911). This amino acid position is not well conserved in available vertebrate species. In addition, the in silico prediction for this alteration is inconclusive. Based on the available evidence, the clinical significance of this variant remains unclear.

Labcorp Genetics (formerly Invitae), Labcorp
Classification: Uncertain significance for Dyskeratosis congenita, autosomal dominant 2; Idiopathic Pulmonary Fibrosis. Last evaluated: 2025-09-04. Review status: criteria provided, single submitter. Criteria: Invitae Variant Classification Sherloc (09022015). Collection method: clinical testing. Allele origin: germline.
Comment: This sequence change replaces glutamine, which is neutral and polar, with arginine, which is basic and polar, at codon 722 of the TERT protein (p.Gln722Arg). This variant is not present in population databases (gnomAD no frequency). This missense change has been observed in individual(s) with myelodysplastic syndrome (PMID: 34019641). ClinVar contains an entry for this variant (Variation ID: 471853). Invitae Evidence Modeling of protein sequence and biophysical properties (such as structural, functional, and spatial information, amino acid conservation, physicochemical variation, residue mobility, and thermodynamic stability) has been performed for this missense variant. However, the output from this modeling did not meet the statistical confidence thresholds required to predict the impact of this variant on TERT protein function. Experimental studies are conflicting or provide insufficient evidence to determine the effect of this variant on TERT function (PMID: 34019641). In summary, the available evidence is currently insufficient to determine the role of this variant in disease. Therefore, it has been classified as a Variant of Uncertain Significance.

Literature cited by the submitters: PubMed 34019641 (cited by Ambry Genetics and Labcorp Genetics (formerly Invitae), Labcorp).